The following is an entry in ClinVar:

ClinVar aggregate classification (germline): Likely benign (0 of 4 stars; one submission).

Conditions:
ITSN2-related disorder. Also called: ITSN2-related condition.

gnomAD v4.1: 2 of 1,565,784 alleles (0.00013%); highest among the groups gnomAD compares: Non-Finnish European, 0.00017%; no homozygotes.

Submission:

PreventionGenetics, part of Exact Sciences
Classification: Likely benign for ITSN2-related condition. Last evaluated: 2024-05-19. Review status: no assertion criteria provided. Collection method: clinical testing. Allele origin: germline.
Comment: This variant is classified as likely benign based on ACMG/AMP sequence variant interpretation guidelines (Richards et al. 2015 PMID: 25741868, with internal and published modifications).

NM_006277.3(ITSN2):c.2124T>G (p.Leu708=)

Gene: ITSN2 (intersectin 2; minus strand). Cytogenetic location: 2p23.3.
Variant type: single nucleotide variant.
Coding change: c.2124T>G on transcript NM_006277.3 (MANE Select); coding-DNA position 2124, T replaced by G.
Protein change: p.Leu708=; no amino-acid change (leucine 708 retained).
Molecular consequence: synonymous variant.
Genome position (GRCh38, 1-based): chr2:24,271,899, A>C on the plus strand (T>G on the coding strand, the complement: ITSN2 is on the minus strand). VCF-style: chr2-24271899-A-C. GRCh37 (hg19) VCF-style: chr2-24494768-A-C.
Other names: c.2082T>G, p.Leu694= (NM_001348181.2); c.2043T>G, p.Leu681= (NM_001348182.2, NM_001348183.2, NM_001348186.2 and 1 more transcripts); c.2001T>G, p.Leu667= (NM_001348184.2); c.2124T>G, p.Leu708= (NM_001348185.2, NM_147152.3).
Identifiers: ClinVar variation 3350500 (VCV003350500.1).
Genomic context (GRCh38, chr2:24,271,899, plus strand): 5'-AATTTTTTCTTGTGTTTTTTCTTCCTGGAGTCGCTTTTGTTTTTCTTCTTCCTCCTTTCT[A>C]AGATTTTCTTTCCATAAGTTTTCTTTTCCTTGCTTTGCTTTCCTTTACATAAAAGAAAAA-3'
Protein context (NP_006268.2, residues 698-718): QGKENLWKEN[Leu708=]RKEEEEKQKR